The following is an entry in ClinVar:

ClinVar aggregate classification (germline): Uncertain significance (1 of 4 stars; one submission).

Conditions:
ALG6-congenital disorder of glycosylation 1C (CDG1C). Also called: Congenital disorder of glycosylation, type Ic; CARBOHYDRATE-DEFICIENT GLYCOPROTEIN SYNDROME, TYPE I, WITH DEFICIENT GLYCOSYLATION OF DOLICHOL-LINKED OLIGOSACCHARIDE; CARBOHYDRATE-DEFICIENT GLYCOPROTEIN SYNDROME, TYPE V; Congenital disorder of glycosylation type 1C; CDG Ic. Identifiers: Orphanet 79320, MedGen C2930997, MONDO:0011291, OMIM 603147.

Allele frequency attached by ClinVar (database versions not stated): gnomAD exomes below 0.00001.
gnomAD v4.1: 1 of 1,600,668 alleles (0.000062%); highest among the groups gnomAD compares: Non-Finnish European, 0.000085%; no homozygotes.

Submission:

Labcorp Genetics (formerly Invitae), Labcorp
Classification: Uncertain significance for ALG6-congenital disorder of glycosylation 1C. Last evaluated: 2022-07-26. Review status: criteria provided, single submitter. Criteria: Invitae Variant Classification Sherloc (09022015). Collection method: clinical testing. Allele origin: germline.
Comment: This sequence change replaces leucine, which is neutral and non-polar, with isoleucine, which is neutral and non-polar, at codon 435 of the ALG6 protein (p.Leu435Ile). This variant is not present in population databases (gnomAD no frequency). This variant has not been reported in the literature in individuals affected with ALG6-related conditions. ClinVar contains an entry for this variant (Variation ID: 1504044). Algorithms developed to predict the effect of missense changes on protein structure and function (SIFT, PolyPhen-2, Align-GVGD) all suggest that this variant is likely to be tolerated. In summary, the available evidence is currently insufficient to determine the role of this variant in disease. Therefore, it has been classified as a Variant of Uncertain Significance.

NM_013339.4(ALG6):c.1303C>A (p.Leu435Ile)

Gene: ALG6 (ALG6 alpha-1,3-glucosyltransferase; plus strand). Cytogenetic location: 1p31.3.
Variant type: single nucleotide variant.
Coding change: c.1303C>A on transcript NM_013339.4 (MANE Select); coding-DNA position 1303, C replaced by A.
Protein change: p.Leu435Ile; replaces leucine 435 with isoleucine.
Molecular consequence: missense variant.
Genome position (GRCh38, 1-based): chr1:63,429,103, C>A. VCF-style: chr1-63429103-C-A. GRCh37 (hg19) VCF-style: chr1-63894774-C-A.
Other names: short protein forms L435I.
Identifiers: ClinVar variation 1504044 (VCV001504044.5), dbSNP rs2100440869, ClinGen allele CA340640650.
Genomic context (GRCh38, chr1:63,429,103, plus strand): 5'-GAACTGCAGTTGAAATCCTTTTCCATTTCTGTGAGGAAATATCTTCCATGTTTTACATTT[C>A]TTTCCAGAATTATACAATATTTGGTAAGTTCAATTTTTAAGAAATGACACATTTTTCAGC-3'
Protein context (NP_037471.2, residues 425-445): VRKYLPCFTF[Leu435Ile]SRIIQYLFLI